The following is an entry in ClinVar:

ClinVar aggregate classification (germline): Benign/Likely benign. Review status: criteria provided, multiple submitters, no conflicts (2 of 4 stars). 2 submissions from 2 submitters: Benign (1); Likely benign (1). Last evaluated 2025-05-31.

Conditions:
Familial cancer of breast. Also called: BREAST CANCER, FAMILIAL; Hereditary breast cancer; hereditary breast carcinoma. Identifiers: Orphanet 227535, MedGen C0346153, MONDO:0016419, OMIM 114480. Disease mechanism: loss of function.

Allele frequency attached by ClinVar (database versions not stated): gnomAD exomes below 0.00001.
gnomAD v4.1: 1 of 1,613,786 alleles (0.000062%); no homozygotes.

Submissions (2):

Women's Health and Genetics/Laboratory Corporation of America, LabCorp
Classification: Likely benign. Last evaluated: 2025-05-31. Review status: criteria provided, single submitter. Criteria: LabCorp Variant Classification Summary - May 2015. Collection method: clinical testing. Allele origin: germline.

Myriad Genetics, Inc.
Classification: Benign for Familial cancer of breast. Last evaluated: 2024-05-21. Review status: criteria provided, single submitter. Criteria: Myriad Autosomal Dominant, Autosomal Recessive and X-Linked Classification Criteria (2023). Collection method: clinical testing. Allele origin: unknown.
Comment: This variant is considered benign. This variant is a silent/synonymous amino acid change and it is not expected to impact splicing.

NM_000051.4(ATM):c.4800A>G (p.Val1600=)

Gene: ATM (ATM serine/threonine kinase; plus strand). Cytogenetic location: 11q22.3.
Variant type: single nucleotide variant.
Coding change: c.4800A>G on transcript NM_000051.4 (MANE Select); coding-DNA position 4800, A replaced by G.
Protein change: p.Val1600=; no amino-acid change (valine 1600 retained).
Molecular consequence: synonymous variant.
Genome position (GRCh38, 1-based): chr11:108,294,950, A>G. VCF-style: chr11-108294950-A-G. GRCh37 (hg19) VCF-style: chr11-108165677-A-G.
Other names: c.4800A>G, p.Val1600= (NM_001351834.2).
Identifiers: ClinVar variation 3254503 (VCV003254503.2), dbSNP rs1476573499.